The following is an entry in ClinVar:

ClinVar aggregate classification (germline): Uncertain significance (1 of 4 stars; one submission).

Conditions:
Hereditary sensory and autonomic neuropathy type 6. Also called: Neuropathy, hereditary sensory and autonomic, type VI; HSAN VI. Identifiers: Orphanet 314381, MedGen C3539003, MONDO:0013839, OMIM 614653.
Epidermolysis bullosa simplex 3, localized or generalized intermediate, with BP230 deficiency (EBS3). Also called: Epidermolysis bullosa simplex due to BP230 deficiency; Epidermolysis bullosa simplex, autosomal recessive 2. Identifiers: Orphanet 412181, MedGen C3809470, MONDO:0014180, OMIM 615425.

Allele frequency attached by ClinVar (database versions not stated): ExAC 0.00002; gnomAD exomes 0.00004.
gnomAD v4.1: 56 of 1,613,614 alleles (0.0035%); highest among the groups gnomAD compares: Non-Finnish European, 0.0047%; no homozygotes.

Submission:

Labcorp Genetics (formerly Invitae), Labcorp
Classification: Uncertain significance for Epidermolysis bullosa simplex 3, localized or generalized intermediate, with BP230 deficiency; Hereditary sensory and autonomic neuropathy type 6. Last evaluated: 2024-12-17. Review status: criteria provided, single submitter. Criteria: Invitae Variant Classification Sherloc (09022015). Collection method: clinical testing. Allele origin: germline.
Comment: The DST gene has multiple clinically relevant transcripts. This variant occurs in alternate transcript NM_015548.4, and corresponds to NM_001723.5:c.*123278G>C in the primary transcript. This sequence change replaces lysine, which is basic and polar, with asparagine, which is neutral and polar, at codon 4292 of the DST protein (p.Lys4292Asn). This variant is present in population databases (rs767655052, gnomAD 0.004%). This variant has not been reported in the literature in individuals affected with DST-related conditions. Experimental studies and prediction algorithms are not available or were not evaluated, and the functional significance of this variant is currently unknown. In summary, the available evidence is currently insufficient to determine the role of this variant in disease. Therefore, it has been classified as a Variant of Uncertain Significance.

NM_001374736.1(DST):c.20745G>C (p.Lys6915Asn)

Gene: DST (dystonin; minus strand). Cytogenetic location: 6p12.1.
Variant type: single nucleotide variant.
Coding change: c.20745G>C on transcript NM_001374736.1 (MANE Select); coding-DNA position 20745, G replaced by C.
Protein change: p.Lys6915Asn; replaces lysine 6915 with asparagine.
Molecular consequence: missense variant.
Genome position (GRCh38, 1-based): chr6:56,492,239, C>G on the plus strand (G>C on the coding strand, the complement: DST is on the minus strand). VCF-style: chr6-56492239-C-G. GRCh37 (hg19) VCF-style: chr6-56357037-C-G.
Other names: c.14388G>C, p.Lys4796Asn (NM_001144769.5); c.13974G>C, p.Lys4658Asn (NM_001144770.2); c.20745G>C, p.Lys6915Asn (NM_001374722.1); c.19785G>C, p.Lys6595Asn (NM_001374729.1); c.13527G>C, p.Lys4509Asn (NM_001374730.1); c.20772G>C, p.Lys6924Asn (NM_001374734.1); c.13854G>C, p.Lys4618Asn (NM_001386100.1, NM_183380.4); c.12876G>C, p.Lys4292Asn (NM_015548.5); short protein forms K4509N, K4658N, K6924N, K4796N, K6915N, K4618N, K4292N, K6595N.
Identifiers: ClinVar variation 2147887 (VCV002147887.3), dbSNP rs767655052, ClinGen allele CA3866689.
Genomic context (GRCh38, chr6:56,492,239, plus strand): 5'-GAAGTGGTTTATTGACAAGTTCAGAGAATTTTTCTAAAGGGTTATTACCTGCTTGGCTCT[C>G]TTCCTTGCATCATCCAAAGATCTTCCTCTCTCTACCAACCGTTGAACCACTTTTTCCCAT-3'
Protein context (NP_001361665.1, residues 6905-6925): ERGRSLDDAR[Lys6915Asn]RAKQFHEAWS